The following is an entry in ClinVar:

ClinVar aggregate classification (germline): Likely benign (1 of 4 stars; one submission).

Allele frequency attached by ClinVar (database versions not stated): 1000 Genomes Project 30x 0.00312; 1000 Genomes Project 0.00319; ExAC 0.00479; gnomAD 0.00507; TOPMed 0.00532; ESP Exome Variant Server 0.00584; gnomAD exomes 0.00713.
gnomAD v4.1: 11,054 of 1,609,742 alleles (0.69%); highest among the groups gnomAD compares: Non-Finnish European, 0.84%; 52 homozygotes.

Submission:

CeGaT Center for Human Genetics Tuebingen
Classification: Likely benign. Last evaluated: 2022-10-01. Review status: criteria provided, single submitter. Criteria: CeGaT Center For Human Genetics Tuebingen Variant Classification Criteria Version 2. Collection method: clinical testing. Allele origin: germline. Affected: yes. Observed: 1 variant allele.
Comment: PRB4: BP4, BP7, BS2

NM_002723.6(PRB4):c.645G>A (p.Gln215=)

Gene: PRB4 (proline rich protein BstNI subfamily 4; minus strand). Cytogenetic location: 12p13.2.
Variant type: single nucleotide variant.
Coding change: c.645G>A on transcript NM_002723.6 (MANE Select); coding-DNA position 645, G replaced by A.
Protein change: p.Gln215=; no amino-acid change (glutamine 215 retained).
Molecular consequence: synonymous variant.
Genome position (GRCh38, 1-based): chr12:11,308,338, C>T on the plus strand (G>A on the coding strand, the complement: PRB4 is on the minus strand). VCF-style: chr12-11308338-C-T. GRCh37 (hg19) VCF-style: chr12-11461272-C-T.
Other names: c.438G>A, p.Gln146= (NM_001261399.3).
Identifiers: ClinVar variation 2642715 (VCV002642715.24), dbSNP rs141102420, ClinGen allele CA6452429.